The following is an entry in ClinVar:

NM_020433.5(JPH2):c.1169+10C>T

Gene: JPH2 (junctophilin 2; minus strand). Cytogenetic location: 20q13.12.
Variant type: single nucleotide variant.
Coding change: c.1169+10C>T on transcript NM_020433.5 (MANE Select); 10 bases into the intron after coding-DNA position 1169, C replaced by T.
Molecular consequence: intron variant.
Genome position (GRCh38, 1-based): chr20:44,159,608, G>A on the plus strand (C>T on the coding strand, the complement: JPH2 is on the minus strand). VCF-style: chr20-44159608-G-A. GRCh37 (hg19) VCF-style: chr20-42788248-G-A.
Identifiers: ClinVar variation 504820 (VCV000504820.23), dbSNP rs372219237, ClinGen allele CA9868726.

ClinVar aggregate classification (germline): Benign/Likely benign. Review status: criteria provided, multiple submitters, no conflicts (2 of 4 stars). 10 submissions from 10 submitters: Benign (1); Likely benign (5). 4 of the submissions do not count toward it. Last evaluated 2026-05-15.

Conditions:
JPH2-related disorder. Also called: JPH2-related condition.
Hypertrophic cardiomyopathy 17. Identifiers: MedGen C3151264, MONDO:0013474, OMIM 613873.
Hypertrophic cardiomyopathy. Also called: HYPERTROPHIC MYOCARDIOPATHY. Identifiers: Orphanet 217569, MedGen C0007194, MeSH D002312, MONDO:0005045, HP:0001639.

Allele frequency attached by ClinVar (database versions not stated): gnomAD exomes 0.00007 and 0.00013; ExAC 0.00008; ESP Exome Variant Server 0.00008; gnomAD 0.00009; TOPMed 0.00010.
gnomAD v4.1: 198 of 1,597,410 alleles (0.012%); highest among the groups gnomAD compares: Non-Finnish European, 0.016%; no homozygotes.

Submissions (10):

Women's Health and Genetics/Laboratory Corporation of America, LabCorp
Classification: Benign. Last evaluated: 2026-05-15. Review status: criteria provided, single submitter. Criteria: LabCorp Variant Classification Summary - May 2015. Collection method: clinical testing. Allele origin: germline.

Labcorp Genetics (formerly Invitae), Labcorp
Classification: Likely benign for Hypertrophic cardiomyopathy. Last evaluated: 2025-11-21. Review status: criteria provided, single submitter. Criteria: Invitae Variant Classification Sherloc (09022015). Collection method: clinical testing. Allele origin: germline.

Blueprint Genetics
Classification: Likely benign. Last evaluated: 2023-06-28. Review status: criteria provided, single submitter. Criteria: ACMG Guidelines, 2015. Collection method: clinical testing. Allele origin: germline.

Laboratory for Molecular Medicine, Mass General Brigham Personalized Medicine
Classification: Likely benign. Last evaluated: 2017-07-10. Review status: criteria provided, single submitter. Criteria: LMM Criteria. Collection method: clinical testing. Allele origin: germline. Observed: 1 variant allele.
Comment: c.1169+10C>T in intron 2 of JPH2: This variant is not expected to have clinical significance because it is not located within the conserved splice consensus seq uence. It has been identified in 12/118620 European chromosomes by the Genome Ag gregation Database (gnomAD; dbSNP rs372219237) .

Genome Diagnostics Laboratory, University Medical Center Utrecht
Classification: Likely benign for Hypertrophic cardiomyopathy 17. Last evaluated: 2017-06-09. Review status: criteria provided, single submitter. Criteria: ACGS Guidelines, 2013. Collection method: clinical testing. Allele origin: germline. Affected: yes. Study: VKGL Data-share Consensus.

Clinical Genetics DNA and cytogenetics Diagnostics Lab, Erasmus MC, Erasmus Medical Center
Classification: Likely benign for Hypertrophic cardiomyopathy 17. Last evaluated: 2017-05-31. Review status: criteria provided, single submitter. Criteria: ACGS Guidelines, 2013. Collection method: clinical testing. Allele origin: germline. Affected: yes. Study: VKGL Data-share Consensus.

PreventionGenetics, part of Exact Sciences
Classification: Likely benign for JPH2-related condition. Last evaluated: 2023-12-04. Review status: no assertion criteria provided. Collection method: clinical testing. Allele origin: germline. Not counted in ClinVar's aggregate classification.
Comment: This variant is classified as likely benign based on ACMG/AMP sequence variant interpretation guidelines (Richards et al. 2015 PMID: 25741868, with internal and published modifications).

Clinical Genetics, Academic Medical Center
Classification: Benign. Review status: no assertion criteria provided. Collection method: clinical testing. Allele origin: germline. Affected: yes. Study: VKGL Data-share Consensus. Not counted in ClinVar's aggregate classification.

Diagnostic Laboratory, Department of Genetics, University Medical Center Groningen
Classification: Likely benign for Hypertrophic cardiomyopathy 17. Review status: no assertion criteria provided. Collection method: clinical testing. Allele origin: germline. Affected: yes. Study: VKGL Data-share Consensus. Not counted in ClinVar's aggregate classification.

Joint Genome Diagnostic Labs from Nijmegen and Maastricht, Radboudumc and MUMC+
Classification: Likely benign. Review status: no assertion criteria provided. Collection method: clinical testing. Allele origin: germline. Affected: yes. Study: VKGL Data-share Consensus. Not counted in ClinVar's aggregate classification.